The following is an entry in ClinVar:

ClinVar aggregate classification (germline): Uncertain significance (1 of 4 stars; one submission).

Conditions:
Familial acute necrotizing encephalopathy (IIAE3). Also called: ENCEPHALOPATHY, ACUTE, INFECTION-INDUCED, SUSCEPTIBILITY TO, 3; Susceptibility to Acute Necrotizing Encephalopathy 1. Identifiers: Orphanet 88619, MedGen C2675556, MONDO:0011953, OMIM 608033.

Submission:

Labcorp Genetics (formerly Invitae), Labcorp
Classification: Uncertain significance for Familial acute necrotizing encephalopathy. Last evaluated: 2023-11-02. Review status: criteria provided, single submitter. Criteria: Invitae Variant Classification Sherloc (09022015). Collection method: clinical testing. Allele origin: germline.
Comment: This variant results in a copy number gain of the genomic region encompassing exon(s) 12-14 of the RANBP2 gene. While the exact position of this variant cannot be determined from the data, sub-genic copy number gains are generally in tandem (PMID: 25640679). This variant is predicted to be out-of-frame, and may result in an absent or disrupted protein product. However, the current clinical and genetic evidence is not sufficient to establish whether loss-of-function variants in RANBP2 cause disease. This variant has not been reported in the literature in individuals affected with RANBP2-related conditions. Experimental studies and prediction algorithms are not available or were not evaluated, and the functional significance of this variant is currently unknown. In summary, the available evidence is currently insufficient to determine the role of this variant in disease. Therefore, it has been classified as a Variant of Uncertain Significance.

Literature cited by the submitters: PubMed 25640679.

NC_000002.11:g.(?_109368307)_(109370039_?)dup

Gene: RANBP2 (RAN binding protein 2; plus strand). Cytogenetic location: 2q12.3.
Variant type: Duplication.
Identifiers: ClinVar variation 2425550 (VCV002425550.5).